The following is an entry in ClinVar:

ClinVar aggregate classification (germline): Uncertain significance. Review status: criteria provided, multiple submitters, no conflicts (2 of 4 stars). 2 submissions from 2 submitters: Uncertain significance (2). Last evaluated 2024-12-23.

Conditions:
Hereditary cancer-predisposing syndrome. Also called: Tumor predisposition; Hereditary neoplastic syndrome; Neoplastic Syndromes, Hereditary; Hereditary Cancer Syndrome. Identifiers: Orphanet 140162, MedGen C0027672, MeSH D009386, MONDO:0015356.

Allele frequency attached by ClinVar (database versions not stated): gnomAD 0.00001; TOPMed 0.00001.
gnomAD v4.1: 2 of 1,613,072 alleles (0.00012%); highest among the groups gnomAD compares: South Asian, 0.0011%; no homozygotes.

Submissions (2):

Labcorp Genetics (formerly Invitae), Labcorp
Classification: Uncertain significance. Last evaluated: 2024-12-23. Review status: criteria provided, single submitter. Criteria: Invitae Variant Classification Sherloc (09022015). Collection method: clinical testing. Allele origin: germline.
Comment: This sequence change replaces serine, which is neutral and polar, with isoleucine, which is neutral and non-polar, at codon 366 of the MSH3 protein (p.Ser366Ile). This variant is not present in population databases (gnomAD no frequency). This variant has not been reported in the literature in individuals affected with MSH3-related conditions. ClinVar contains an entry for this variant (Variation ID: 2172314). An algorithm developed to predict the effect of missense changes on protein structure and function (PolyPhen-2) suggests that this variant is likely to be disruptive. In summary, the available evidence is currently insufficient to determine the role of this variant in disease. Therefore, it has been classified as a Variant of Uncertain Significance.

Ambry Genetics
Classification: Uncertain significance for Hereditary cancer-predisposing syndrome. Last evaluated: 2023-09-05. Review status: criteria provided, single submitter. Criteria: Ambry Variant Classification Scheme 2023. Collection method: clinical testing. Allele origin: germline.
Comment: The p.S366I variant (also known as c.1097G>T), located in coding exon 7 of the MSH3 gene, results from a G to T substitution at nucleotide position 1097. The serine at codon 366 is replaced by isoleucine, an amino acid with dissimilar properties. This amino acid position is conserved. In addition, the in silico prediction for this alteration is inconclusive. Since supporting evidence is limited at this time, the clinical significance of this alteration remains unclear.

NM_002439.5(MSH3):c.1097G>T (p.Ser366Ile)

Gene: MSH3 (mutS homolog 3; plus strand). Cytogenetic location: 5q14.1.
Variant type: single nucleotide variant.
Coding change: c.1097G>T on transcript NM_002439.5 (MANE Select); coding-DNA position 1097, G replaced by T.
Protein change: p.Ser366Ile; replaces serine 366 with isoleucine.
Molecular consequence: missense variant.
Genome position (GRCh38, 1-based): chr5:80,675,052, G>T. VCF-style: chr5-80675052-G-T. GRCh37 (hg19) VCF-style: chr5-79970871-G-T.
Other names: c.1097G>T (NM_002439.3); short protein forms S366I.
Identifiers: ClinVar variation 2172314 (VCV002172314.6), dbSNP rs1201188083, ClinGen allele CA360268079.